The following is an entry in ClinVar:

NM_022124.6(CDH23):c.7872+2T>A

Gene: CDH23 (cadherin related 23; plus strand). Cytogenetic location: 10q22.1.
Variant type: single nucleotide variant.
Coding change: c.7872+2T>A on transcript NM_022124.6 (MANE Select); the canonical splice donor site of the intron after coding-DNA position 7872, T replaced by A.
Molecular consequence: splice donor variant.
Genome position (GRCh38, 1-based): chr10:71,803,422, T>A. VCF-style: chr10-71803422-T-A. GRCh37 (hg19) VCF-style: chr10-73563179-T-A.
Other names: c.1152+2T>A (NM_001171933.1, NM_001171934.1).
Identifiers: ClinVar variation 2003632 (VCV002003632.4), dbSNP rs766906353, ClinGen allele CA377161760.

ClinVar aggregate classification (germline): Likely pathogenic (1 of 4 stars; one submission).

Submission:

Labcorp Genetics (formerly Invitae), Labcorp
Classification: Likely pathogenic. Last evaluated: 2022-06-08. Review status: criteria provided, single submitter. Criteria: Invitae Variant Classification Sherloc (09022015). Collection method: clinical testing. Allele origin: germline.
Comment: In summary, the currently available evidence indicates that the variant is pathogenic, but additional data are needed to prove that conclusively. Therefore, this variant has been classified as Likely Pathogenic. Algorithms developed to predict the effect of sequence changes on RNA splicing suggest that this variant may disrupt the consensus splice site. This variant has not been reported in the literature in individuals affected with CDH23-related conditions. This variant is not present in population databases (gnomAD no frequency). This sequence change affects a donor splice site in intron 55 of the CDH23 gene. It is expected to disrupt RNA splicing. Variants that disrupt the donor or acceptor splice site typically lead to a loss of protein function (PMID: 16199547), and loss-of-function variants in CDH23 are known to be pathogenic (PMID: 11138009, 21940737).

Literature cited by the submitters: PubMed 16199547; PubMed 11138009; PubMed 21940737.